The following is an entry in ClinVar:

ClinVar aggregate classification (germline): Pathogenic (1 of 4 stars; one submission).

Conditions:
Neuromuscular disease caused by qualitative or quantitative defects of dysferlin. Also called: Qualitative or quantitative defects of dysferlin; Dysferlinopathy. Identifiers: Orphanet 207073, MedGen C2931687, MONDO:0016145.

Submission:

Labcorp Genetics (formerly Invitae), Labcorp
Classification: Pathogenic for Qualitative or quantitative defects of dysferlin. Last evaluated: 2019-06-12. Review status: criteria provided, single submitter. Criteria: Invitae Variant Classification Sherloc (09022015). Collection method: clinical testing. Allele origin: germline.
Comment: This sequence change creates a premature translational stop signal (p.Lys571Asnfs*10) in the DYSF gene. It is expected to result in an absent or disrupted protein product. This variant is not present in population databases (ExAC no frequency). This variant has not been reported in the literature in individuals with DYSF-related conditions. ClinVar contains an entry for this variant (Variation ID: 471281). Loss-of-function variants in DYSF are known to be pathogenic (PMID: 17698709, 20301480). For these reasons, this variant has been classified as Pathogenic.

NM_001130987.2(DYSF):c.1766_1767insTTCT (p.Lys589fs)

Gene: DYSF (dysferlin; plus strand). Cytogenetic location: 2p13.2.
Variant type: Insertion.
Coding change: c.1766_1767insTTCT on transcript NM_001130987.2 (MANE Select); coding-DNA positions 1766 to 1767, TTCT inserted.
Protein change: p.Lys589fs; shifts the reading frame from lysine 589.
Molecular consequence: frameshift variant.
Genome position: GRCh38 VCF-style: chr2-71551680-A-ATTCT. GRCh37 (hg19) VCF-style: chr2-71778810-A-ATTCT.
Other names: c.1715_1716insTTCT, p.Lys572fs (NM_001130455.2, NM_001130983.2); c.1670_1671insTTCT, p.Lys557fs (NM_001130976.2, NM_001130977.2); c.1712_1713insTTCT, p.Lys571fs (NM_001130978.2, NM_003494.4); c.1805_1806insTTCT, p.Lys602fs (NM_001130979.2); c.1763_1764insTTCT, p.Lys588fs (NM_001130980.2, NM_001130981.2); c.1808_1809insTTCT, p.Lys603fs (NM_001130982.2); c.1673_1674insTTCT, p.Lys558fs (NM_001130984.2, NM_001130986.2); c.1766_1767insTTCT, p.Lys589fs (NM_001130985.2); short protein forms K557fs, K571fs, K589fs, K558fs, K603fs, K602fs, K572fs, K588fs.
Identifiers: ClinVar variation 471281 (VCV000471281.2), dbSNP rs1553542773, ClinGen allele CA658657039.